The following is an entry in ClinVar:

ClinVar aggregate classification (germline): Conflicting classifications of pathogenicity. Review status: criteria provided, conflicting classifications (1 of 4 stars). 2 submissions from 2 submitters: Uncertain significance (1); Likely benign (1). Last evaluated 2025-05-28.

Conditions:
Melnick-Needles syndrome (MNS). Also called: MELNICK-NEEDLES OSTEODYSPLASTY; OSTEODYSPLASTY OF MELNICK AND NEEDLES; Melnick-Needles Syndrome (FLNA-MNS). Identifiers: Orphanet 2484, MedGen C0025237, MONDO:0010650, OMIM 309350.
Frontometaphyseal dysplasia (FMD1). Identifiers: Orphanet 1826, MedGen C0265293, MONDO:0015942.
Oto-palato-digital syndrome, type II (OPD2). Also called: FACIOPALATOOSSEOUS SYNDROME; Otopalatodigital Syndrome, Type II; OPD II SYNDROME; Otopalatodigital Syndrome Type 2 (FLNA-OPD2). Identifiers: Orphanet 669, Orphanet 90652, MedGen C1844696, MONDO:0010571, OMIM 304120.
Heterotopia, periventricular, X-linked dominant (PVNH1). Also called: PERIVENTRICULAR NODULAR HETEROTOPIA 4; HETEROTOPIA, PERIVENTRICULAR, 1; PERIVENTRICULAR NODULAR HETEROTOPIA 1; X-linked periventricular heterotopia. Identifiers: Orphanet 2149, Orphanet 82004, MedGen C1848213, MONDO:0010233, OMIM 300049.

Allele frequency attached by ClinVar (database versions not stated): gnomAD 0.00001; gnomAD exomes 0.00003; ExAC 0.00005.
gnomAD v4.1: 16 of 1,210,146 alleles (0.0013%); highest among the groups gnomAD compares: Non-Finnish European, 0.0012%; no homozygotes.

Submissions (2):

Labcorp Genetics (formerly Invitae), Labcorp
Classification: Uncertain significance for Oto-palato-digital syndrome, type II; Heterotopia, periventricular, X-linked dominant; Frontometaphyseal dysplasia; Melnick-Needles syndrome. Last evaluated: 2025-05-28. Review status: criteria provided, single submitter. Criteria: Invitae Variant Classification Sherloc (09022015). Collection method: clinical testing. Allele origin: germline.
Comment: This sequence change falls in intron 25 of the FLNA gene. It does not directly change the encoded amino acid sequence of the FLNA protein. It affects a nucleotide within the consensus splice site. This variant is present in population databases (rs781998888, gnomAD 0.006%). This variant has not been reported in the literature in individuals affected with FLNA-related conditions. ClinVar contains an entry for this variant (Variation ID: 2924366). Variants that disrupt the consensus splice site are a relatively common cause of aberrant splicing (PMID: 17576681, 9536098). Algorithms developed to predict the effect of sequence changes on RNA splicing suggest that this variant is not likely to affect RNA splicing. In summary, the available evidence is currently insufficient to determine the role of this variant in disease. Therefore, it has been classified as a Variant of Uncertain Significance.

Blueprint Genetics
Classification: Likely benign. Last evaluated: 2023-06-02. Review status: criteria provided, single submitter. Criteria: ACMG Guidelines, 2015. Collection method: clinical testing. Allele origin: germline.

Literature cited by the submitters: PubMed 17576681 (cited by Labcorp Genetics (formerly Invitae), Labcorp); PubMed 9536098 (cited by Labcorp Genetics (formerly Invitae), Labcorp).

NM_001110556.2(FLNA):c.4303+6G>T

Gene: FLNA (filamin A; minus strand). Cytogenetic location: Xq28.
Variant type: single nucleotide variant.
Coding change: c.4303+6G>T on transcript NM_001110556.2 (MANE Select); 6 bases into the intron after coding-DNA position 4303, G replaced by T.
Molecular consequence: intron variant.
Genome position (GRCh38, 1-based): chrX:154,359,240, C>A on the plus strand (G>T on the coding strand, the complement: FLNA is on the minus strand). VCF-style: chrX-154359240-C-A. GRCh37 (hg19) VCF-style: chrX-153587608-C-A.
Other names: c.4303+6G>T (NM_001456.4).
Identifiers: ClinVar variation 2924366 (VCV002924366.4), dbSNP rs781998888, ClinGen allele CA10560558.